The following is an entry in ClinVar:

NM_001080517.3(SETD5):c.567+992A>G

Gene: SETD5 (SET domain containing 5; plus strand). Cytogenetic location: 3p25.3.
Variant type: single nucleotide variant.
Coding change: c.567+992A>G on transcript NM_001080517.3 (MANE Select); 992 bases into the intron after coding-DNA position 567, A replaced by G.
Molecular consequence: intron variant.
Genome position (GRCh38, 1-based): chr3:9,436,898, A>G. VCF-style: chr3-9436898-A-G. GRCh37 (hg19) VCF-style: chr3-9478582-A-G.
Other names: c.273+10A>G (NM_001349451.2, NM_001292043.2, NM_001292043.1).
Identifiers: ClinVar variation 1270181 (VCV001270181.3), dbSNP rs533021669, ClinGen allele CA2238971.
Genomic context (GRCh38, chr3:9,436,898, plus strand): 5'-TCCTTGGGATAGGCATTTCGAGAGGGATCCCGGAAGTCCTTGCGGATGAAGGTAAGGGGT[A>G]ATCTTCGCTGATGCTGTGTTTTACTTCACTGTGATCTTGCATTTTGGTCAGCTTCTTTCC-3'

ClinVar aggregate classification (germline): Benign. Review status: criteria provided, single submitter (1 of 4 stars). 2 submissions from 2 submitters: Benign (1). 1 of the submissions does not count toward it. Last evaluated 2020-08-03.

Conditions:
SETD5-related disorder. Also called: SETD5-related disorders; SETD5-related condition.

Allele frequency attached by ClinVar (database versions not stated): gnomAD 0.00006 and 0.00019; TOPMed 0.00013; gnomAD exomes 0.00018 and 0.00043; 1000 Genomes Project 0.00060; 1000 Genomes Project 30x 0.00078; ExAC 0.00121.
gnomAD v4.1: 282 of 1,549,376 alleles (0.018%); highest among the groups gnomAD compares: East Asian, 0.28%; 1 homozygote.

Submissions (2):

GeneDx
Classification: Benign. Last evaluated: 2020-08-03. Review status: criteria provided, single submitter. Criteria: GeneDx Variant Classification Process June 2021. Collection method: clinical testing. Allele origin: germline. Affected: yes.

PreventionGenetics, part of Exact Sciences
Classification: Likely benign for SETD5-related condition. Last evaluated: 2019-05-30. Review status: no assertion criteria provided. Collection method: clinical testing. Allele origin: germline. Not counted in ClinVar's aggregate classification.
Comment: This variant is classified as likely benign based on ACMG/AMP sequence variant interpretation guidelines (Richards et al. 2015 PMID: 25741868, with internal and published modifications).